The following is an entry in ClinVar:

NM_014855.3(AP5Z1):c.500C>T (p.Thr167Ile)

Gene: AP5Z1 (adaptor related protein complex 5 subunit zeta 1; plus strand). Cytogenetic location: 7p22.1.
Variant type: single nucleotide variant.
Coding change: c.500C>T on transcript NM_014855.3 (MANE Select); coding-DNA position 500, C replaced by T.
Protein change: p.Thr167Ile; replaces threonine 167 with isoleucine.
Molecular consequence: missense variant. On other transcripts: non-coding transcript variant (1).
Genome position (GRCh38, 1-based): chr7:4,783,449, C>T. VCF-style: chr7-4783449-C-T. GRCh37 (hg19) VCF-style: chr7-4823080-C-T.
Other names: c.32C>T, p.Thr11Ile (NM_001364858.1); short protein forms T11I, T167I.
Identifiers: ClinVar variation 3627982 (VCV003627982.2).

ClinVar aggregate classification (germline): Uncertain significance (1 of 4 stars; one submission).

Conditions:
Hereditary spastic paraplegia 48. Also called: SPASTIC PARAPLEGIA 48, AUTOSOMAL RECESSIVE; Spastic paraplegia 48. Identifiers: Orphanet 306511, MedGen C3150901, MONDO:0013342, OMIM 613647.

gnomAD v4.1: 3 of 1,612,554 alleles (0.00019%); highest among the groups gnomAD compares: South Asian, 0.0011%; no homozygotes.

Submission:

Labcorp Genetics (formerly Invitae), Labcorp
Classification: Uncertain significance for Hereditary spastic paraplegia 48. Last evaluated: 2024-12-31. Review status: criteria provided, single submitter. Criteria: Invitae Variant Classification Sherloc (09022015). Collection method: clinical testing. Allele origin: germline.
Comment: This sequence change replaces threonine, which is neutral and polar, with isoleucine, which is neutral and non-polar, at codon 167 of the AP5Z1 protein (p.Thr167Ile). This variant is present in population databases (rs748108455, gnomAD 0.006%). This variant has not been reported in the literature in individuals affected with AP5Z1-related conditions. Invitae Evidence Modeling of protein sequence and biophysical properties (such as structural, functional, and spatial information, amino acid conservation, physicochemical variation, residue mobility, and thermodynamic stability) indicates that this missense variant is not expected to disrupt AP5Z1 protein function with a negative predictive value of 80%. In summary, the available evidence is currently insufficient to determine the role of this variant in disease. Therefore, it has been classified as a Variant of Uncertain Significance.